The following is an entry in ClinVar:

ClinVar aggregate classification (germline): Uncertain significance. Review status: criteria provided, multiple submitters, no conflicts (2 of 4 stars). 2 submissions from 2 submitters: Uncertain significance (2). Last evaluated 2025-09-03.

Conditions:
Rhabdoid tumor predisposition syndrome 2 (RTPS2). Identifiers: Orphanet 231108, Orphanet 69077, MedGen C2750074, MONDO:0013224, OMIM 613325.

Allele frequency attached by ClinVar (database versions not stated): gnomAD exomes below 0.00001; gnomAD 0.00001.
gnomAD v4.1: 2 of 1,614,002 alleles (0.00012%); highest among the groups gnomAD compares: African/African-American, 0.0013%; no homozygotes.

Submissions (2):

Quest Diagnostics Nichols Institute San Juan Capistrano
Classification: Uncertain significance. Last evaluated: 2025-09-03. Review status: criteria provided, single submitter. Criteria: Quest Diagnostics criteria. Collection method: clinical testing. Allele origin: unknown.
Comment: The SMARCA4 c.1532C>T (p.Thr511Met) variant has not been reported in individuals with SMARCA4-related conditions in the published literature. The frequency of this variant in the general population (Genome Aggregation Database) is uninformative in the assessment of its pathogenicity. Analysis of this variant using bioinformatics tools for the prediction of the effect of amino acid changes on protein structure and function yielded predictions that this variant is damaging. Based on the available information, we are unable to determine the clinical significance of this variant.

Labcorp Genetics (formerly Invitae), Labcorp
Classification: Uncertain significance for Rhabdoid tumor predisposition syndrome 2. Last evaluated: 2024-12-24. Review status: criteria provided, single submitter. Criteria: Invitae Variant Classification Sherloc (09022015). Collection method: clinical testing. Allele origin: germline.
Comment: This sequence change replaces threonine, which is neutral and polar, with methionine, which is neutral and non-polar, at codon 511 of the SMARCA4 protein (p.Thr511Met). This variant is present in population databases (no rsID available, gnomAD 0.004%). This variant has not been reported in the literature in individuals affected with SMARCA4-related conditions. ClinVar contains an entry for this variant (Variation ID: 1720822). Invitae Evidence Modeling of protein sequence and biophysical properties (such as structural, functional, and spatial information, amino acid conservation, physicochemical variation, residue mobility, and thermodynamic stability) indicates that this missense variant is expected to disrupt SMARCA4 protein function with a positive predictive value of 80%. In summary, the available evidence is currently insufficient to determine the role of this variant in disease. Therefore, it has been classified as a Variant of Uncertain Significance.

NM_003072.5(SMARCA4):c.1532C>T (p.Thr511Met)

Gene: SMARCA4 (SWI/SNF related BAF chromatin remodeling complex subunit ATPase 4; plus strand). Cytogenetic location: 19p13.2.
Variant type: single nucleotide variant.
Coding change: c.1532C>T on transcript NM_003072.5 (MANE Select); coding-DNA position 1532, C replaced by T.
Protein change: p.Thr511Met; replaces threonine 511 with methionine.
Molecular consequence: missense variant. On other transcripts: non-coding transcript variant (1).
Genome position (GRCh38, 1-based): chr19:10,994,940, C>T. VCF-style: chr19-10994940-C-T. GRCh37 (hg19) VCF-style: chr19-11105616-C-T.
Other names: c.1532C>T, p.Thr511Met (NM_001128844.3, NM_001128845.2, NM_001128846.2 and 6 more transcripts); c.1532C>T (NM_001128849.1); short protein forms T511M.
Identifiers: ClinVar variation 1720822 (VCV001720822.6), dbSNP rs1313662153, ClinGen allele CA404062198.
Genomic context (GRCh38, chr19:10,994,940, plus strand): 5'-GATCCGTCACAGGCAAAATCCAGAAGCTGACCAAGGCAGTGGCCACGTACCATGCCAACA[C>T]GGAGCGGGAGCAGAAGAAAGAGAACGAGCGGATCGAGAAGGAGCGCATGCGGAGGCTCAT-3'
Protein context (NP_003063.2, residues 501-521): TKAVATYHAN[Thr511Met]EREQKKENER